The following is an entry in ClinVar:

NM_182493.3(MYLK3):c.2204C>T (p.Thr735Ile)

Gene: MYLK3 (myosin light chain kinase 3; minus strand). Cytogenetic location: 16q11.2.
Variant type: single nucleotide variant.
Coding change: c.2204C>T on transcript NM_182493.3 (MANE Select); coding-DNA position 2204, C replaced by T.
Protein change: p.Thr735Ile; replaces threonine 735 with isoleucine.
Molecular consequence: missense variant.
Genome position (GRCh38, 1-based): chr16:46,710,700, G>A on the plus strand (C>T on the coding strand, the complement: MYLK3 is on the minus strand). VCF-style: chr16-46710700-G-A. GRCh37 (hg19) VCF-style: chr16-46744612-G-A.
Other names: c.1181C>T, p.Thr394Ile (NM_001308301.1); c.2204C>T (NM_182493.2); short protein forms T735I, T394I.
Identifiers: ClinVar variation 1441110 (VCV001441110.8), dbSNP rs201767714, ClinGen allele CA8037653.

ClinVar aggregate classification (germline): Uncertain significance. Review status: criteria provided, multiple submitters, no conflicts (2 of 4 stars). 2 submissions from 2 submitters: Uncertain significance (2). Last evaluated 2026-01-25.

Allele frequency attached by ClinVar (database versions not stated): gnomAD 0.00009 and 0.00010; ESP Exome Variant Server 0.00015; 1000 Genomes Project 30x 0.00016; TOPMed 0.00016; 1000 Genomes Project 0.00020.
gnomAD v4.1: 334 of 1,614,076 alleles (0.021%); highest among the groups gnomAD compares: Middle Eastern, 0.033%; no homozygotes.

Submissions (2):

Labcorp Genetics (formerly Invitae), Labcorp
Classification: Uncertain significance. Last evaluated: 2026-01-25. Review status: criteria provided, single submitter. Criteria: Invitae Variant Classification Sherloc (09022015). Collection method: clinical testing. Allele origin: germline.
Comment: This sequence change replaces threonine, which is neutral and polar, with isoleucine, which is neutral and non-polar, at codon 735 of the MYLK3 protein (p.Thr735Ile). This variant is present in population databases (rs201767714, gnomAD 0.03%), and has an allele count higher than expected for a pathogenic variant. This variant has not been reported in the literature in individuals affected with MYLK3-related conditions. ClinVar contains an entry for this variant (Variation ID: 1441110). An algorithm developed to predict the effect of missense changes on protein structure and function (PolyPhen-2) suggests that this variant is likely to be disruptive. In summary, the available evidence is currently insufficient to determine the role of this variant in disease. Therefore, it has been classified as a Variant of Uncertain Significance.

Ambry Genetics
Classification: Uncertain significance. Last evaluated: 2025-11-13. Review status: criteria provided, single submitter. Criteria: Ambry Variant Classification Scheme 2023. Collection method: clinical testing. Allele origin: germline.